The following is an entry in ClinVar:

NC_000003.11:g.(?_100945813)_(101284837_?)dup

Genes: IMPG2 (interphotoreceptor matrix proteoglycan 2; minus strand), SENP7 (SUMO specific peptidase 7; minus strand), TRMT10C (tRNA methyltransferase 10C, mitochondrial RNase P subunit; plus strand). Cytogenetic location: 3q12.3.
Variant type: Duplication.
Identifiers: ClinVar variation 1499296 (VCV001499296.4).

ClinVar aggregate classification (germline): Uncertain significance (1 of 4 stars; one submission).

Submission:

Labcorp Genetics (formerly Invitae), Labcorp
Classification: Uncertain significance. Last evaluated: 2021-06-06. Review status: criteria provided, single submitter. Criteria: Invitae Variant Classification Sherloc (09022015). Collection method: clinical testing. Allele origin: germline.
Comment: In summary, the available evidence is currently insufficient to determine the role of this variant in disease. Therefore, it has been classified as a Variant of Uncertain Significance. Experimental studies and prediction algorithms are not available or were not evaluated, and the functional significance of this variant is currently unknown. This variant has not been reported in the literature in individuals with IMPG2-related conditions. A copy number gain of the genomic region encompassing the full coding sequence of the IMPG2 gene has been identified. The boundaries of this event are unknown as they extend beyond the assayed region for this gene and therefore may encompass additional genes. As the precise location of this event is unknown, it may be in tandem or it may be located elsewhere in the genome.